The following is an entry in ClinVar:

NM_001365951.3(KIF1B):c.157G>T (p.Asp53Tyr)

Gene: KIF1B (kinesin family member 1B; plus strand). Cytogenetic location: 1p36.22.
Variant type: single nucleotide variant.
Coding change: c.157G>T on transcript NM_001365951.3 (MANE Select); coding-DNA position 157, G replaced by T.
Protein change: p.Asp53Tyr; replaces aspartic acid 53 with tyrosine.
Molecular consequence: missense variant.
Genome position (GRCh38, 1-based): chr1:10,256,297, G>T. VCF-style: chr1-10256297-G-T. GRCh37 (hg19) VCF-style: chr1-10316355-G-T.
Other names: c.157G>T, p.Asp53Tyr (NM_001365952.1, NM_001365953.1, NM_015074.3 and 1 more transcripts); short protein forms D53Y.
Identifiers: ClinVar variation 4043110 (VCV004043110.1).

ClinVar aggregate classification (germline): Uncertain significance (1 of 4 stars; one submission).

gnomAD v4.1: 1 of 1,611,732 alleles (0.000062%); highest among the groups gnomAD compares: Non-Finnish European, 0.000085%; no homozygotes.

Submission:

Ambry Genetics
Classification: Uncertain significance. Last evaluated: 2025-04-13. Review status: criteria provided, single submitter. Criteria: Ambry Variant Classification Scheme 2023. Collection method: clinical testing. Allele origin: germline.
Comment: The p.D53Y variant (also known as c.157G>T), located in coding exon 2 of the KIF1B gene, results from a G to T substitution at nucleotide position 157. The aspartic acid at codon 53 is replaced by tyrosine, an amino acid with highly dissimilar properties. This amino acid position is conserved. In addition, this alteration is predicted to be deleterious by in silico analysis. Based on the available evidence, the clinical significance of this variant remains unclear.